The following is an entry in ClinVar:

ClinVar aggregate classification (germline): Conflicting classifications of pathogenicity. Review status: criteria provided, conflicting classifications (1 of 4 stars). 2 submissions from 2 submitters: Pathogenic (1); Uncertain significance (1). Last evaluated 2024-10-16.

Conditions:
Leukodystrophy, hypomyelinating, 6. Also called: Hypomyelination with Atrophy of Basal Ganglia and Cerebellum (H-ABC); LEUKODYSTROPHY, HYPOMYELINATING, WITH ATROPHY OF THE BASAL GANGLIA AND CEREBELLUM; TUBB4A-Associated Leukodystrophy. Identifiers: Orphanet 139441, MedGen C2676244, MONDO:0012905, OMIM 612438.

Submissions (2):

GeneDx
Classification: Pathogenic. Last evaluated: 2024-10-16. Review status: criteria provided, single submitter. Criteria: GeneDx Variant Classification Process June 2021. Collection method: clinical testing. Allele origin: germline. Affected: yes.
Comment: Not observed at significant frequency in large population cohorts (gnomAD); In silico analysis supports that this missense variant has a deleterious effect on protein structure/function; This variant is associated with the following publications: (PMID: 24742798, 37529938)

Labcorp Genetics (formerly Invitae), Labcorp
Classification: Uncertain significance for Leukodystrophy, hypomyelinating, 6. Last evaluated: 2023-12-18. Review status: criteria provided, single submitter. Criteria: Invitae Variant Classification Sherloc (09022015). Collection method: clinical testing. Allele origin: germline.
Comment: This sequence change replaces arginine, which is basic and polar, with cysteine, which is neutral and slightly polar, at codon 156 of the TUBB4A protein (p.Arg156Cys). This variant is not present in population databases (gnomAD no frequency). This variant has not been reported in the literature in individuals affected with TUBB4A-related conditions. ClinVar contains an entry for this variant (Variation ID: 2195059). Advanced modeling of protein sequence and biophysical properties (such as structural, functional, and spatial information, amino acid conservation, physicochemical variation, residue mobility, and thermodynamic stability) performed at Invitae indicates that this missense variant is expected to disrupt TUBB4A protein function with a positive predictive value of 80%. This variant disrupts the p.Arg156 amino acid residue in TUBB4A. Other variant(s) that disrupt this residue have been determined to be pathogenic (PMID: 24742798, 26795593, 28275661). This suggests that this residue is clinically significant, and that variants that disrupt this residue are likely to be disease-causing. In summary, the available evidence is currently insufficient to determine the role of this variant in disease. Therefore, it has been classified as a Variant of Uncertain Significance.

Literature cited by the submitters: PubMed 24742798 (cited by Labcorp Genetics (formerly Invitae), Labcorp); PubMed 26795593 (cited by Labcorp Genetics (formerly Invitae), Labcorp); PubMed 28275661 (cited by Labcorp Genetics (formerly Invitae), Labcorp).

NM_006087.4(TUBB4A):c.466C>T (p.Arg156Cys)

Gene: TUBB4A (tubulin beta 4A class IVa; minus strand). Cytogenetic location: 19p13.3.
Variant type: single nucleotide variant.
Coding change: c.466C>T on transcript NM_006087.4 (MANE Select); coding-DNA position 466, C replaced by T.
Protein change: p.Arg156Cys; replaces arginine 156 with cysteine.
Molecular consequence: missense variant.
Genome position (GRCh38, 1-based): chr19:6,496,033, G>A on the plus strand (C>T on the coding strand, the complement: TUBB4A is on the minus strand). VCF-style: chr19-6496033-G-A. GRCh37 (hg19) VCF-style: chr19-6496044-G-A.
Other names: c.619C>T, p.Arg207Cys (NM_001289123.2); c.601C>T, p.Arg201Cys (NM_001289127.2); c.466C>T, p.Arg156Cys (NM_001289129.2); c.250C>T, p.Arg84Cys (NM_001289130.2, NM_001289131.2); c.466C>T (NM_006087.2); short protein forms R201C, R156C, R84C, R207C.
Identifiers: ClinVar variation 2195059 (VCV002195059.5), dbSNP rs2512754738, ClinGen allele CA403592225.
Genomic context (GRCh38, chr19:6,496,033, plus strand): 5'-ACACTTTGGGCGAGGGCACCACGCTGAAGGTGTTCATGATGCGGTCTGGGAACTCCTCGC[G>A]GATCTTACTGATGAGCAGCGTGCCCATTCCGGACCCCGTGCCACCCCCCAGCGAGTGGGT-3'
Protein context (NP_006078.2, residues 146-166): GMGTLLISKI[Arg156Cys]EEFPDRIMNT